The following is an entry in ClinVar:

ClinVar aggregate classification (germline): Uncertain significance. Review status: criteria provided, multiple submitters, no conflicts (2 of 4 stars). 2 submissions from 2 submitters: Uncertain significance (2). Last evaluated 2022-09-07.

Conditions:
Complement component 5 deficiency. Also called: C5 DEFICIENCY. Identifiers: MedGen C0343047, MONDO:0012295, OMIM 609536.
Eculizumab, poor response to. Identifiers: MedGen C3810402, OMIM 615749.

Allele frequency attached by ClinVar (database versions not stated): ESP Exome Variant Server 0.00008; ExAC 0.00013; gnomAD exomes 0.00014 and 0.00016; 1000 Genomes Project 0.00020; gnomAD 0.00021; TOPMed 0.00029; 1000 Genomes Project 30x 0.00031.
gnomAD v4.1: 263 of 1,583,238 alleles (0.017%); highest among the groups gnomAD compares: Admixed American, 0.048%; no homozygotes.

Submissions (2):

Labcorp Genetics (formerly Invitae), Labcorp
Classification: Uncertain significance. Last evaluated: 2022-09-07. Review status: criteria provided, single submitter. Criteria: Invitae Variant Classification Sherloc (09022015). Collection method: clinical testing. Allele origin: germline.
Comment: This sequence change falls in intron 16 of the C5 gene. It does not directly change the encoded amino acid sequence of the C5 protein. It affects a nucleotide within the consensus splice site. This variant is present in population databases (rs374867185, gnomAD 0.02%). This variant has not been reported in the literature in individuals affected with C5-related conditions. ClinVar contains an entry for this variant (Variation ID: 1345729). Variants that disrupt the consensus splice site are a relatively common cause of aberrant splicing (PMID: 17576681, 9536098). Algorithms developed to predict the effect of sequence changes on RNA splicing suggest that this variant may disrupt the consensus splice site. In summary, the available evidence is currently insufficient to determine the role of this variant in disease. Therefore, it has been classified as a Variant of Uncertain Significance.

Fulgent Genetics
Classification: Uncertain significance for Complement component 5 deficiency; Eculizumab, poor response to. Last evaluated: 2022-05-22. Review status: criteria provided, single submitter. Criteria: ACMG Guidelines, 2015. Collection method: clinical testing. Allele origin: unknown.

Literature cited by the submitters: PubMed 17576681 (cited by Labcorp Genetics (formerly Invitae), Labcorp); PubMed 9536098 (cited by Labcorp Genetics (formerly Invitae), Labcorp).

NM_001735.3(C5):c.2059+3A>G

Gene: C5 (complement C5; minus strand). Cytogenetic location: 9q33.2.
Variant type: single nucleotide variant.
Coding change: c.2059+3A>G on transcript NM_001735.3 (MANE Select); 3 bases into the intron after coding-DNA position 2059, A replaced by G.
Molecular consequence: intron variant.
Genome position (GRCh38, 1-based): chr9:121,015,196, T>C on the plus strand (A>G on the coding strand, the complement: C5 is on the minus strand). VCF-style: chr9-121015196-T-C. GRCh37 (hg19) VCF-style: chr9-123777474-T-C.
Other names: c.2077+3A>G (NM_001317163.2); c.2059+3A>G (NM_001317164.2).
Identifiers: ClinVar variation 1345729 (VCV001345729.4), dbSNP rs374867185, ClinGen allele CA5217893.